The following is an entry in ClinVar:

NC_000022.11:g.40345651G>A

Gene: ADSL (adenylosuccinate lyase; plus strand). Cytogenetic location: 22q13.1.
Variant type: single nucleotide variant.
Genome position: GRCh38 VCF-style: chr22-40345651-G-A. GRCh37 (hg19) VCF-style: chr22-40741655-G-A.
Identifiers: ClinVar variation 2118794 (VCV002118794.5), dbSNP rs2518074179, ClinGen allele CA2580099798.

ClinVar aggregate classification (germline): Uncertain significance (1 of 4 stars; one submission).

Conditions:
Adenylosuccinate lyase deficiency (ADSLD). Also called: ADSL DEFICIENCY. Identifiers: Orphanet 46, MedGen C0268126, MONDO:0007068, OMIM 103050.

Submission:

Labcorp Genetics (formerly Invitae), Labcorp
Classification: Uncertain significance for Adenylosuccinate lyase deficiency. Last evaluated: 2023-12-11. Review status: criteria provided, single submitter. Criteria: Invitae Variant Classification Sherloc (09022015). Collection method: clinical testing. Allele origin: germline.
Comment: This variant occurs in a non-coding region of the ADSL gene. It does not change the encoded amino acid sequence of the ADSL protein. This variant is not present in population databases (gnomAD no frequency). This variant has not been reported in the literature in individuals affected with ADSL-related conditions. Experimental studies and prediction algorithms are not available or were not evaluated, and the functional significance of this variant is currently unknown. In summary, the available evidence is currently insufficient to determine the role of this variant in disease. Therefore, it has been classified as a Variant of Uncertain Significance.